The following is an entry in ClinVar:

NM_012233.3(RAB3GAP1):c.1555-1G>A

Gene: RAB3GAP1 (RAB3 GTPase activating protein catalytic subunit 1; plus strand). Cytogenetic location: 2q21.3.
Variant type: single nucleotide variant.
Coding change: c.1555-1G>A on transcript NM_012233.3 (MANE Select); the canonical splice acceptor site of the intron before coding-DNA position 1555, G replaced by A.
Molecular consequence: splice acceptor variant.
Genome position (GRCh38, 1-based): chr2:135,135,563, G>A. VCF-style: chr2-135135563-G-A. GRCh37 (hg19) VCF-style: chr2-135893133-G-A.
Other names: c.1555-1G>A (NM_001172435.2).
Identifiers: ClinVar variation 800519 (VCV000800519.1), dbSNP rs1573584395, ClinGen allele CA348576508.

ClinVar aggregate classification (germline): Pathogenic (1 of 4 stars; one submission).

Conditions:
Warburg micro syndrome 1 (WARBM1). Identifiers: Orphanet 2510, MedGen C1838625, MONDO:0010822, OMIM 600118.

Submission:

Broad Center for Mendelian Genomics, Broad Institute of MIT and Harvard
Classification: Pathogenic for Warburg micro syndrome 1. Last evaluated: 2018-11-15. Review status: criteria provided, single submitter. Criteria: ACMG Guidelines, 2015. Collection method: research. Allele origin: germline. Inheritance: Autosomal recessive inheritance. Affected: yes.
Comment: This variant has been identified in the literature in one proband who was compound heterozygous for the c.1186+1G>A variant as well as the c.895-1G>A variant (Tonelli et al. 2010, PMID: 20584031). The c.1555-1G>A variant occurs in the invariant region (+/- 1/2) of the splice consensus sequence and is predicted to cause altered splicing leading to an abnormal or absent protein. This variant was absent from large population studies. Loss of function of the RAB3GAP1 gene is an established disease mechanism in autosomal recessive Warburg Micro Syndrome, and this is a loss of function variant. In summary, the c.1555-1G>A variant is pathogenic.

Literature cited by the submitters: PubMed 20584031.